The following is an entry in ClinVar:

ClinVar aggregate classification (germline): Uncertain significance. Review status: criteria provided, multiple submitters, no conflicts (2 of 4 stars). 2 submissions from 2 submitters: Uncertain significance (2). Last evaluated 2023-11-20.

gnomAD v4.1: 10 of 1,551,122 alleles (0.00064%); highest among the groups gnomAD compares: Non-Finnish European, 0.00071%; no homozygotes.

Submissions (2):

Labcorp Genetics (formerly Invitae), Labcorp
Classification: Uncertain significance. Last evaluated: 2023-11-20. Review status: criteria provided, single submitter. Criteria: Invitae Variant Classification Sherloc (09022015). Collection method: clinical testing. Allele origin: germline.
Comment: This sequence change replaces leucine, which is neutral and non-polar, with valine, which is neutral and non-polar, at codon 153 of the GINS1 protein (p.Leu153Val). This variant is present in population databases (rs750783029, gnomAD 0.003%). This variant has not been reported in the literature in individuals affected with GINS1-related conditions. An algorithm developed to predict the effect of missense changes on protein structure and function (PolyPhen-2) suggests that this variant is likely to be tolerated. In summary, the available evidence is currently insufficient to determine the role of this variant in disease. Therefore, it has been classified as a Variant of Uncertain Significance.

Blueprint Genetics
Classification: Uncertain significance. Last evaluated: 2023-03-30. Review status: criteria provided, single submitter. Criteria: ACMG Guidelines, 2015. Collection method: clinical testing. Allele origin: germline.

NM_021067.5(GINS1):c.457C>G (p.Leu153Val)

Gene: GINS1 (GINS complex subunit 1; plus strand). Cytogenetic location: 20p11.21.
Variant type: single nucleotide variant.
Coding change: c.457C>G on transcript NM_021067.5 (MANE Select); coding-DNA position 457, C replaced by G.
Protein change: p.Leu153Val; replaces leucine 153 with valine.
Molecular consequence: missense variant. On other transcripts: non-coding transcript variant (1).
Genome position (GRCh38, 1-based): chr20:25,441,711, C>G. VCF-style: chr20-25441711-C-G. GRCh37 (hg19) VCF-style: chr20-25422347-C-G.
Other names: c.340C>G, p.Leu114Val (NM_001410830.1); c.202C>G, p.Leu68Val (NM_001410831.1); short protein forms L114V, L153V, L68V.
Identifiers: ClinVar variation 3000745 (VCV003000745.4), dbSNP rs750783029, ClinGen allele CA9796563.
Genomic context (GRCh38, chr20:25,441,711, plus strand): 5'-CTGCATATTAAAAACTAATTTAGATAAAACATCTCTCATTTTTTCTTTCAGGTCCGGTGT[C>G]TAAAAGACTATGGAGAATTTGAAGTTGATGATGGCACTTCAGTCCTATTAAAAAAAAATA-3'
Protein context (NP_066545.3, residues 143-163): PKSLYIEVRC[Leu153Val]KDYGEFEVDD